The following is an entry in ClinVar:

NM_175914.5(HNF4A):c.1063+120G>A

Gene: HNF4A (hepatocyte nuclear factor 4 alpha; plus strand). Cytogenetic location: 20q13.12.
Variant type: single nucleotide variant.
Coding change: c.1063+120G>A on transcript NM_175914.5 (MANE Select); 120 bases into the intron after coding-DNA position 1063, G replaced by A.
Molecular consequence: intron variant. On other transcripts: missense variant (3).
Genome position (GRCh38, 1-based): chr20:44,424,374, G>A. VCF-style: chr20-44424374-G-A. GRCh37 (hg19) VCF-style: chr20-43053014-G-A.
Other names: c.1183G>A, p.Ala395Thr (NM_001030004.3); c.1174G>A, p.Ala392Thr (NM_001287184.2); c.1249G>A, p.Ala417Thr (NM_178850.3); c.1054+120G>A (NM_001287182.2, NM_001287183.2); c.1063+120G>A (NM_001030003.3, NM_175914.4); c.1108+120G>A (NM_001258355.2); c.1129+120G>A (NM_178849.3, NM_000457.6); c.1183G>A (NM_001030004.2); short protein forms A392T, A395T, A417T.
Identifiers: ClinVar variation 3075823 (VCV003075823.3), dbSNP rs145360792, ClinGen allele CA9870455.

ClinVar aggregate classification (germline): Conflicting classifications of pathogenicity. Review status: criteria provided, conflicting classifications (1 of 4 stars). 3 submissions from 3 submitters: Uncertain significance (1); Benign (1). 1 of the submissions does not count toward it. Last evaluated 2024-03-21.

Conditions:
Type 2 diabetes mellitus. Also called: Type II diabetes mellitus. Identifiers: MedGen C0011860, MeSH D003924, MONDO:0005148, OMIM 125853, HP:0005978.
Fanconi renotubular syndrome 4 with maturity-onset diabetes of the young (FRTS4). Also called: FRTS4 WITH MODY. Identifiers: Orphanet 93111, MedGen C4014962, MONDO:0014458, OMIM 616026.
Maturity-onset diabetes of the young type 1. Also called: MILD JUVENILE DIABETES MELLITUS; MODY, type I; MODY type 1; Diabetes mellitus MODY type 1; MODY HNF4A related; HNF4A-Related Maturity-Onset Diabetes of the Young Type 1. Identifiers: Orphanet 552, MedGen C1852093, MONDO:0007452, OMIM 125850. Disease mechanism: loss of function.
HNF4A-related disorder. Also called: HNF4A-related condition.

Allele frequency attached by ClinVar (database versions not stated): TOPMed 0.00004; gnomAD 0.00006; gnomAD exomes 0.00007; ESP Exome Variant Server 0.00008; 1000 Genomes Project 30x 0.00016; 1000 Genomes Project 0.00020; ExAC 0.00031.
gnomAD v4.1: 115 of 1,508,754 alleles (0.0076%); highest among the groups gnomAD compares: Middle Eastern, 0.018%; 1 homozygote.

Submissions (3):

Fulgent Genetics
Classification: Uncertain significance for Maturity-onset diabetes of the young type 1; Type 2 diabetes mellitus; Fanconi renotubular syndrome 4 with maturity-onset diabetes of the young. Last evaluated: 2024-03-21. Review status: criteria provided, single submitter. Criteria: ACMG Guidelines, 2015. Collection method: clinical testing. Allele origin: germline.

Laboratory for Molecular Medicine, Mass General Brigham Personalized Medicine
Classification: Benign. Last evaluated: 2020-11-06. Review status: criteria provided, single submitter. Criteria: ACMG Guidelines, 2015. Collection method: clinical testing. Allele origin: germline.
Comment: The p.Ala417Thr variant in HNF4A is classified as benign because it has been identified in 0.2% (17/8780) of Ashkenazi Jewish chromosomes by gnomAD. Computational prediction tools and conservation analyses suggest that this variant may not impact the protein, though this information is not predictive enough to rule out pathogenicity. ACMG/AMP Criteria applied: BP4, BS1.

PreventionGenetics, part of Exact Sciences
Classification: Likely benign for HNF4A-related condition. Last evaluated: 2024-08-05. Review status: no assertion criteria provided. Collection method: clinical testing. Allele origin: germline. Not counted in ClinVar's aggregate classification.
Comment: This variant is classified as likely benign based on ACMG/AMP sequence variant interpretation guidelines (Richards et al. 2015 PMID: 25741868, with internal and published modifications).